The following is an entry in ClinVar:

ClinVar aggregate classification (germline): Uncertain significance (1 of 4 stars; one submission).

gnomAD v4.1: 1 of 1,614,110 alleles (0.000062%); highest among the groups gnomAD compares: South Asian, 0.0011%; no homozygotes.

Submission:

CeGaT Center for Human Genetics Tuebingen
Classification: Uncertain significance. Last evaluated: 2024-07-01. Review status: criteria provided, single submitter. Criteria: CeGaT Center For Human Genetics Tuebingen Variant Classification Criteria Version 2. Collection method: clinical testing. Allele origin: germline. Affected: yes. Observed: 1 variant allele.
Comment: TIA1: PM2, BP4

NM_022173.4(TIA1):c.1124C>T (p.Pro375Leu)

Gene: TIA1 (TIA1 cytotoxic granule associated RNA binding protein; minus strand). Cytogenetic location: 2p13.3.
Variant type: single nucleotide variant.
Coding change: c.1124C>T on transcript NM_022173.4 (MANE Select); coding-DNA position 1124, C replaced by T.
Protein change: p.Pro375Leu; replaces proline 375 with leucine.
Molecular consequence: missense variant. On other transcripts: non-coding transcript variant (17).
Genome position (GRCh38, 1-based): chr2:70,212,756, G>A on the plus strand (C>T on the coding strand, the complement: TIA1 is on the minus strand). VCF-style: chr2-70212756-G-A. GRCh37 (hg19) VCF-style: chr2-70439888-G-A.
Other names: c.1121C>T, p.Pro374Leu (NM_001351508.2); c.1097C>T, p.Pro366Leu (NM_001351509.2); c.1088C>T, p.Pro363Leu (NM_001351510.2); c.1013C>T, p.Pro338Leu (NM_001351511.1); c.986C>T, p.Pro329Leu (NM_001351512.1); c.980C>T, p.Pro327Leu (NM_001351513.1); c.896C>T, p.Pro299Leu (NM_001351514.2); c.821C>T, p.Pro274Leu (NM_001351515.2); and 3 more; short protein forms P234L, P235L, P274L, P299L, P327L, P329L, P338L, P363L.
Identifiers: ClinVar variation 3257334 (VCV003257334.17).